The following is an entry in ClinVar:

ClinVar aggregate classification (germline): Likely benign. Review status: criteria provided, multiple submitters, no conflicts (2 of 4 stars). 2 submissions from 2 submitters: Likely benign (2). Last evaluated 2023-09-29.

Allele frequency attached by ClinVar (database versions not stated): ExAC 0.00023.

Submissions (2):

Blueprint Genetics
Classification: Likely benign. Last evaluated: 2023-09-29. Review status: criteria provided, single submitter. Criteria: ACMG Guidelines, 2015. Collection method: clinical testing. Allele origin: germline.

CeGaT Center for Human Genetics Tuebingen
Classification: Likely benign. Last evaluated: 2023-06-01. Review status: criteria provided, single submitter. Criteria: CeGaT Center For Human Genetics Tuebingen Variant Classification Criteria Version 2. Collection method: clinical testing. Allele origin: germline. Affected: yes. Observed: 1 variant allele.
Comment: FMN2: BP4, BP7

NM_020066.5(FMN2):c.2982A>G (p.Gly994=)

Gene: FMN2 (formin 2; plus strand). Cytogenetic location: 1q43.
Variant type: single nucleotide variant.
Coding change: c.2982A>G on transcript NM_020066.5 (MANE Select); coding-DNA position 2982, A replaced by G.
Protein change: p.Gly994=; no amino-acid change (glycine 994 retained).
Molecular consequence: synonymous variant. On other transcripts: intron variant (1).
Genome position (GRCh38, 1-based): chr1:240,207,794, A>G. VCF-style: chr1-240207794-A-G. GRCh37 (hg19) VCF-style: chr1-240371094-A-G.
Other names: c.2994A>G, p.Gly998= (NM_001305424.2); c.1986+19532A>G (NM_001348094.2).
Identifiers: ClinVar variation 2640151 (VCV002640151.25), dbSNP rs1198700726, ClinGen allele CA1476952.